The following is an entry in ClinVar:

ClinVar aggregate classification (germline): Benign (1 of 4 stars; one submission).

Conditions:
Retinoblastoma (RB1). Also called: RETINOBLASTOMA, SOMATIC. Identifiers: Orphanet 790, MedGen C0035335, MeSH D012175, MONDO:0008380, OMIM 180200, HP:0009919. Disease mechanism: loss of function. Inheritance: Both sporadic and heritable forms are tested..

Submission:

Myriad Genetics, Inc.
Classification: Benign for Retinoblastoma. Last evaluated: 2026-06-25. Review status: criteria provided, single submitter. Criteria: Myriad Autosomal Dominant, Autosomal Recessive and X-Linked Classification Criteria (2023). Collection method: clinical testing. Allele origin: unknown.
Comment: This variant is considered benign. This variant occurs in the non-coding 3' untranslated region of the gene, and is not expected to impact protein function.

NM_000321.3(RB1):c.*10G>A

Gene: RB1 (RB transcriptional corepressor 1; plus strand). Cytogenetic location: 13q14.2.
Variant type: single nucleotide variant.
Coding change: c.*10G>A on transcript NM_000321.3 (MANE Select); 10 bases downstream of the stop codon, G replaced by A.
Molecular consequence: 3 prime UTR variant.
Genome position (GRCh38, 1-based): chr13:48,480,081, G>A. VCF-style: chr13-48480081-G-A. GRCh37 (hg19) VCF-style: chr13-49054217-G-A.
Other names: c.*44G>A (NM_001407165.1); c.*10G>A (NM_001407168.1).
Identifiers: ClinVar variation 4875833 (VCV004875833.1).